The following is an entry in ClinVar:

ClinVar aggregate classification (germline): Likely benign. Review status: criteria provided, multiple submitters, no conflicts (2 of 4 stars). 2 submissions from 2 submitters: Likely benign (2). Last evaluated 2022-11-01.

Conditions:
Polycystic kidney disease, adult type (PKD1). Also called: Polycystic Kidney Disease 1, Autosomal Dominant; Polycystic kidney disease 1; Polycystic kidney disease 1, severe; POLYCYSTIC KIDNEY DISEASE, ADULT, TYPE I; Polycystic Kidney, Autosomal Dominant; POLYCYSTIC KIDNEY DISEASE 1 WITH OR WITHOUT POLYCYSTIC LIVER DISEASE. Identifiers: MedGen C3149841, MONDO:0008263, OMIM 173900.

Allele frequency attached by ClinVar (database versions not stated): ExAC 0.00002; TOPMed 0.00004; gnomAD 0.00005.
gnomAD v4.1: 32 of 1,589,134 alleles (0.002%); highest among the groups gnomAD compares: African/African-American, 0.0094%; no homozygotes.

Submissions (2):

CeGaT Center for Human Genetics Tuebingen
Classification: Likely benign. Last evaluated: 2022-11-01. Review status: criteria provided, single submitter. Criteria: CeGaT Center For Human Genetics Tuebingen Variant Classification Criteria Version 2. Collection method: clinical testing. Allele origin: germline. Affected: yes. Observed: 1 variant allele.
Comment: PKD1: BP4, BP7

ARUP Laboratories, Molecular Genetics and Genomics, ARUP Laboratories
Classification: Likely benign for Polycystic kidney disease, adult type. Last evaluated: 2019-05-01. Review status: criteria provided, single submitter. Criteria: ARUP Molecular Germline Variant Investigation Process. Collection method: clinical testing. Allele origin: germline.

NM_001009944.3(PKD1):c.7488G>A (p.Thr2496=)

Gene: PKD1 (polycystin 1, transient receptor potential channel interacting; minus strand). Cytogenetic location: 16p13.3.
Variant type: single nucleotide variant.
Coding change: c.7488G>A on transcript NM_001009944.3 (MANE Select); coding-DNA position 7488, G replaced by A.
Protein change: p.Thr2496=; no amino-acid change (threonine 2496 retained).
Molecular consequence: synonymous variant.
Genome position (GRCh38, 1-based): chr16:2,106,399, C>T on the plus strand (G>A on the coding strand, the complement: PKD1 is on the minus strand). VCF-style: chr16-2106399-C-T. GRCh37 (hg19) VCF-style: chr16-2156400-C-T.
Other names: c.7488G>A, p.Thr2496= (NM_000296.4).
Identifiers: ClinVar variation 811788 (VCV000811788.32), dbSNP rs776604789, ClinGen allele CA7831113.